The following is an entry in ClinVar:

ClinVar aggregate classification (germline): Pathogenic (1 of 4 stars; one submission).

Conditions:
Treacher Collins syndrome 1 (TCS1). Also called: TCOF1-Related Treacher Collins Syndrome. Identifiers: Orphanet 861, MedGen CN315775, MONDO:0007944, OMIM 154500.

Submission:

Labcorp Genetics (formerly Invitae), Labcorp
Classification: Pathogenic for Treacher Collins syndrome 1. Last evaluated: 2023-04-28. Review status: criteria provided, single submitter. Criteria: Invitae Variant Classification Sherloc (09022015). Collection method: clinical testing. Allele origin: germline.
Comment: For these reasons, this variant has been classified as Pathogenic. This variant disrupts the c.2478+5G nucleotide in the TCOF1 gene. Other variant(s) that disrupt this nucleotide have been determined to be pathogenic (PMID: 22317976). This suggests that this nucleotide is clinically significant, and that variants that disrupt this position are likely to be disease-causing. Variants that disrupt the consensus splice site are a relatively common cause of aberrant splicing (PMID: 17576681, 9536098). Algorithms developed to predict the effect of sequence changes on RNA splicing suggest that this variant may disrupt the consensus splice site. This variant has been observed in individual(s) with Treacher Collins syndrome (Invitae). In at least one individual the variant was observed to be de novo. This variant is not present in population databases (gnomAD no frequency). This sequence change falls in intron 15 of the TCOF1 gene. It does not directly change the encoded amino acid sequence of the TCOF1 protein. It affects a nucleotide within the consensus splice site.

Literature cited by the submitters: PubMed 22317976; PubMed 17576681; PubMed 9536098.

NM_001371623.1(TCOF1):c.2478+5G>T

Gene: TCOF1 (treacle ribosome biogenesis factor 1; plus strand). Cytogenetic location: 5q32.
Variant type: single nucleotide variant.
Coding change: c.2478+5G>T on transcript NM_001371623.1 (MANE Select); 5 bases into the intron after coding-DNA position 2478, G replaced by T.
Molecular consequence: intron variant.
Genome position (GRCh38, 1-based): chr5:150,379,047, G>T. VCF-style: chr5-150379047-G-T. GRCh37 (hg19) VCF-style: chr5-149758610-G-T.
Other names: c.2478+5G>T (NM_001135243.2, NM_001135244.2, NM_001195141.2 and 1 more transcripts); c.2247+5G>T (NM_001135245.2, NM_000356.4).
Identifiers: ClinVar variation 2841650 (VCV002841650.3), dbSNP rs2533653403, ClinGen allele CA2739272737.